The following is an entry in ClinVar:

ClinVar aggregate classification (germline): Uncertain significance. Review status: criteria provided, single submitter (1 of 4 stars). 2 submissions from 2 submitters: Uncertain significance (1). 1 of the submissions does not count toward it. Last evaluated 2018-01-12.

Conditions:
MAN1B1-related disorder. Also called: MAN1B1-related disorders; MAN1B1-related condition.
Rafiq syndrome (RAFQS). Identifiers: Orphanet 88616, MedGen C3280127, MONDO:0013624, OMIM 614202.

Allele frequency attached by ClinVar (database versions not stated): gnomAD 0.00001; gnomAD exomes 0.00001 and 0.00002; ExAC 0.00002; TOPMed 0.00004; ESP Exome Variant Server 0.00008.
gnomAD v4.1: 10 of 1,614,098 alleles (0.00062%); highest among the groups gnomAD compares: East Asian, 0.0045%; no homozygotes.

Submissions (2):

Illumina Laboratory Services, Illumina
Classification: Uncertain significance for Rafiq syndrome. Last evaluated: 2018-01-12. Review status: criteria provided, single submitter. Criteria: ICSL Variant Classification Criteria 13 December 2019. Collection method: clinical testing. Allele origin: germline.

PreventionGenetics, part of Exact Sciences
Classification: Likely benign for MAN1B1-related condition. Last evaluated: 2019-06-12. Review status: no assertion criteria provided. Collection method: clinical testing. Allele origin: germline. Not counted in ClinVar's aggregate classification.
Comment: This variant is classified as likely benign based on ACMG/AMP sequence variant interpretation guidelines (Richards et al. 2015 PMID: 25741868, with internal and published modifications).

NM_016219.5(MAN1B1):c.780A>G (p.Ala260=)

Gene: MAN1B1 (mannosidase alpha class 1B member 1; plus strand). Cytogenetic location: 9q34.3.
Variant type: single nucleotide variant.
Coding change: c.780A>G on transcript NM_016219.5 (MANE Select); coding-DNA position 780, A replaced by G.
Protein change: p.Ala260=; no amino-acid change (alanine 260 retained).
Molecular consequence: synonymous variant. On other transcripts: non-coding transcript variant (2).
Genome position (GRCh38, 1-based): chr9:137,099,745, A>G. VCF-style: chr9-137099745-A-G. GRCh37 (hg19) VCF-style: chr9-139994197-A-G.
Identifiers: ClinVar variation 365956 (VCV000365956.7), dbSNP rs151136979, ClinGen allele CA5358790.